The following is an entry in ClinVar:

ClinVar aggregate classification (germline): Conflicting classifications of pathogenicity. Review status: criteria provided, conflicting classifications (1 of 4 stars). 3 submissions from 3 submitters: Uncertain significance (1); Likely benign (1). 1 of the submissions does not count toward it. Last evaluated 2026-01-27.

Conditions:
FOCAD-related disorder. Also called: FOCAD-related condition.
Inborn genetic diseases. Identifiers: MedGen C0950123, MeSH D030342.

Allele frequency attached by ClinVar (database versions not stated): ESP Exome Variant Server 0.00046; gnomAD exomes 0.00054; TOPMed 0.00027; ExAC 0.00043; gnomAD 0.00050.
gnomAD v4.1: 850 of 1,614,002 alleles (0.053%); highest among the groups gnomAD compares: Non-Finnish European, 0.048%; 1 homozygote.

Submissions (3):

Labcorp Genetics (formerly Invitae), Labcorp
Classification: Likely benign. Last evaluated: 2026-01-27. Review status: criteria provided, single submitter. Criteria: Invitae Variant Classification Sherloc (09022015). Collection method: clinical testing. Allele origin: germline.

Ambry Genetics
Classification: Uncertain significance for Inborn genetic diseases. Last evaluated: 2024-10-03. Review status: criteria provided, single submitter. Criteria: Ambry Variant Classification Scheme 2023. Collection method: clinical testing. Allele origin: germline.

PreventionGenetics, part of Exact Sciences
Classification: Likely benign for FOCAD-related condition. Last evaluated: 2023-12-28. Review status: no assertion criteria provided. Collection method: clinical testing. Allele origin: germline. Not counted in ClinVar's aggregate classification.
Comment: This variant is classified as likely benign based on ACMG/AMP sequence variant interpretation guidelines (Richards et al. 2015 PMID: 25741868, with internal and published modifications).

NM_001375567.1(FOCAD):c.1137G>T (p.Gln379His)

Gene: FOCAD (focadhesin; plus strand). Cytogenetic location: 9p21.3.
Variant type: single nucleotide variant.
Coding change: c.1137G>T on transcript NM_001375567.1 (MANE Select); coding-DNA position 1137, G replaced by T.
Protein change: p.Gln379His; replaces glutamine 379 with histidine.
Molecular consequence: missense variant.
Genome position (GRCh38, 1-based): chr9:20,781,869, G>T. VCF-style: chr9-20781869-G-T. GRCh37 (hg19) VCF-style: chr9-20781868-G-T.
Other names: c.1137G>T, p.Gln379His (NM_001375568.1, NM_017794.5); c.1032G>T, p.Gln344His (NM_001375570.1); c.1137G>T (NM_017794.3); short protein forms Q344H, Q379H.
Identifiers: ClinVar variation 3036559 (VCV003036559.5), dbSNP rs140435235, ClinGen allele CA5006618.